The following is an entry in ClinVar:

ClinVar aggregate classification (germline): Uncertain significance (1 of 4 stars; one submission).

Conditions:
Ataxia-telangiectasia syndrome (AT). Also called: Ataxia-telangiectasia; LOUIS-BAR SYNDROME; AT, COMPLEMENTATION GROUP C; Ataxia-telangiectasia, complementation group E; Ataxia telangiectasia (A-T); Cerebello-oculocutaneous telangiectasia. Identifiers: Orphanet 100, MedGen C0004135, MONDO:0008840, OMIM 208900.

Submission:

Labcorp Genetics (formerly Invitae), Labcorp
Classification: Uncertain significance for Ataxia-telangiectasia syndrome. Last evaluated: 2021-09-24. Review status: criteria provided, single submitter. Criteria: Invitae Variant Classification Sherloc (09022015). Collection method: clinical testing. Allele origin: germline.
Comment: This sequence change replaces valine with isoleucine at codon 1063 of the ATM protein (p.Val1063Ile). The valine residue is moderately conserved and there is a small physicochemical difference between valine and isoleucine. This variant is not present in population databases (ExAC no frequency). This variant has not been reported in the literature in individuals with ATM-related conditions. Advanced modeling of protein sequence and biophysical properties (such as structural, functional, and spatial information, amino acid conservation, physicochemical variation, residue mobility, and thermodynamic stability) performed at Invitae indicates that this missense variant is not expected to disrupt ATM protein function. In summary, the available evidence is currently insufficient to determine the role of this variant in disease. Therefore, it has been classified as a Variant of Uncertain Significance.

NM_000051.4(ATM):c.3187G>A (p.Val1063Ile)

Gene: ATM (ATM serine/threonine kinase; plus strand). Cytogenetic location: 11q22.3.
Variant type: single nucleotide variant.
Coding change: c.3187G>A on transcript NM_000051.4 (MANE Select); coding-DNA position 3187, G replaced by A.
Protein change: p.Val1063Ile; replaces valine 1063 with isoleucine.
Molecular consequence: missense variant.
Genome position (GRCh38, 1-based): chr11:108,272,755, G>A. VCF-style: chr11-108272755-G-A. GRCh37 (hg19) VCF-style: chr11-108143482-G-A.
Other names: c.3187G>A, p.Val1063Ile (NM_001351834.2); short protein forms V1063I.
Identifiers: ClinVar variation 1449744 (VCV001449744.5), dbSNP rs2135570586, ClinGen allele CA382515668.